The following is an entry in ClinVar:

NM_000051.4(ATM):c.5003T>C (p.Leu1668Pro)

Gene: ATM (ATM serine/threonine kinase; plus strand). Cytogenetic location: 11q22.3.
Variant type: single nucleotide variant.
Coding change: c.5003T>C on transcript NM_000051.4 (MANE Select); coding-DNA position 5003, T replaced by C.
Protein change: p.Leu1668Pro; replaces leucine 1668 with proline.
Molecular consequence: missense variant.
Genome position (GRCh38, 1-based): chr11:108,297,380, T>C. VCF-style: chr11-108297380-T-C. GRCh37 (hg19) VCF-style: chr11-108168107-T-C.
Other names: c.5003T>C, p.Leu1668Pro (NM_001351834.2); short protein forms L1668P.
Identifiers: ClinVar variation 1744730 (VCV001744730.5), dbSNP rs2135864085, ClinGen allele CA382538592.

ClinVar aggregate classification (germline): Uncertain significance. Review status: criteria provided, multiple submitters, no conflicts (2 of 4 stars). 2 submissions from 2 submitters: Uncertain significance (2). Last evaluated 2025-04-18.

Conditions:
Ataxia-telangiectasia syndrome (AT). Also called: LOUIS-BAR SYNDROME; Cerebello-oculocutaneous telangiectasia; Immunodeficiency with ataxia telangiectasia; Ataxia-telangiectasia, complementation group D; AT, COMPLEMENTATION GROUP C; ATAXIA-TELANGIECTASIA, COMPLEMENTATION GROUP A. Identifiers: Orphanet 100, MedGen C0004135, MONDO:0008840, OMIM 208900.
Hereditary cancer-predisposing syndrome. Also called: Neoplastic Syndromes, Hereditary; Tumor predisposition; Hereditary Cancer Syndrome; Hereditary neoplastic syndrome. Identifiers: Orphanet 140162, MedGen C0027672, MeSH D009386, MONDO:0015356.

Allele frequency attached by ClinVar (database versions not stated): gnomAD exomes below 0.00001.
gnomAD v4.1: 1 of 1,612,384 alleles (0.000062%); highest among the groups gnomAD compares: East Asian, 0.0022%; no homozygotes.

Submissions (2):

Ambry Genetics
Classification: Uncertain significance for Hereditary cancer-predisposing syndrome. Last evaluated: 2025-04-18. Review status: criteria provided, single submitter. Criteria: Ambry Variant Classification Scheme 2023. Collection method: clinical testing. Allele origin: germline.
Comment: The p.L1668P variant (also known as c.5003T>C), located in coding exon 32 of the ATM gene, results from a T to C substitution at nucleotide position 5003. The leucine at codon 1668 is replaced by proline, an amino acid with similar properties. This variant has been reported in the homozygous state in a patient with Ataxia telangiectasia. (Amirifar P et al. Pediatr Allergy Immunol, 2021 Aug;32:1316-1326). This amino acid position is highly conserved in available vertebrate species. In addition, this alteration is predicted to be deleterious by in silico analysis. Based on the available evidence, the clinical significance of this variant remains unclear.

Labcorp Genetics (formerly Invitae), Labcorp
Classification: Uncertain significance for Ataxia-telangiectasia syndrome. Last evaluated: 2024-06-02. Review status: criteria provided, single submitter. Criteria: Invitae Variant Classification Sherloc (09022015). Collection method: clinical testing. Allele origin: germline.
Comment: This sequence change replaces leucine, which is neutral and non-polar, with proline, which is neutral and non-polar, at codon 1668 of the ATM protein (p.Leu1668Pro). This variant is not present in population databases (gnomAD no frequency). This missense change has been observed in individual(s) with ataxia-telangiectasia (PMID: 33547824). ClinVar contains an entry for this variant (Variation ID: 1744730). An algorithm developed to predict the effect of missense changes on protein structure and function (PolyPhen-2) suggests that this variant is likely to be disruptive. In summary, the available evidence is currently insufficient to determine the role of this variant in disease. Therefore, it has been classified as a Variant of Uncertain Significance.

Literature cited by the submitters: PubMed 33547824 (cited by Ambry Genetics and Labcorp Genetics (formerly Invitae), Labcorp).